The following continues an entry in ClinVar:

NM_000492.4(CFTR):c.3140-26A>G

ClinVar aggregate classification (germline): Pathogenic. Pathogenic (1).

Submissions 9 to 24 of 27:

ARUP Laboratories, Molecular Genetics and Genomics, ARUP Laboratories
Classification: Pathogenic for Cystic fibrosis. Last evaluated: 2024-07-25. Review status: criteria provided, single submitter. Criteria: ARUP Molecular Germline Variant Investigation Process 2024. Collection method: clinical testing. Allele origin: germline. Not counted in ClinVar's aggregate classification.
Comment: The CFTR c.3140-26A>G variant (rs76151804; ClinVar Variation ID: 35864), also known as 3272-26A>G, is reported in the literature in multiple patients diagnosed with cystic fibrosis (CF), typically with pancreatic sufficiency (Amaral 2001, Beck 1999, Fanen 1992, Ramalho 2002, Sosnay 2013, CFTR2 database), and in individuals with pancreatitis (Ooi 2012) or congenital bilateral absence of the vas deferens (Steiner 2011). Many affected individuals with this variant also carry a second pathogenic CFTR variant (Beck 1999, Fanen 1992, Ramalho 2002, Steiner 2011). This variant is found in the general population with an overall allele frequency of 0.005% (13/268026 alleles) in the Genome Aggregation Database (v2.1.1). This is an intronic variant and computational analyses (Alamut v.2.11) predict that this variant impacts splicing by creating a novel cryptic acceptor splice site. Messenger RNA analysis reveals that the variant causes aberrant splicing of the CFTR transcript, leading to the inclusion of 25 additional nucleotides of intron 17a (Beck 1999). This results in a premature stop codon at exon 17b, which results in the degradation of the majority of the aberrant CFTR transcript and only 4-5 percent of normal CFTR protein production compared to healthy individuals (Ramalho 2002, Sosnay 2013). Based on available information, this variant is considered to be pathogenic. References: CFTR2 Database: Amaral MD et al. Cystic fibrosis patients with the 3272-26A>G splicing mutation have milder disease than F508del homozygotes: a large European study. J Med Genet. 2001 Nov;38(11):777-83. PMID: 11732487. Beck S et al. Cystic fibrosis patients with the 3272-26A-->G mutation have mild disease, leaky alternative mRNA splicing, and CFTR protein at the cell membrane. Hum Mutat. 1999;14(2):133-44. PMID: 10425036. Fanen P et al. Molecular characterization of cystic fibrosis: 16 novel mutations identified by analysis of the whole cystic fibrosis conductance transmembrane regulator (CFTR) coding regions and splice site junctions. Genomics. 1992 Jul;13(3):770-6. PMID: 1379210. Ooi CY et al. Cystic fibrosis transmembrane conductance regulator (CFTR) gene mutations in pancreatitis. J Cyst Fibros. 2012 Sep;11(5):355-62. PMID: 22658665. Ramalho AS et al. Five percent of normal cystic fibrosis transmembrane conductance regulator mRNA ameliorates the severity of pulmonary disease in cystic fibrosis. Am J Respir Cell Mol Biol. 2002 Nov;27(5):619-27. PMID: 12397022. Sosnay PR et al. Defining the disease liability of variants in the cystic fibrosis transmembrane conductance regulator gene. Nat Genet. 2013 Oct;45(10):1160-7. PMID: 23974870. Steiner B et al. Common CFTR haplotypes and susceptibility to chronic pancreatitis and congenital bilateral absence of the vas deferens. Hum Mutat. 2011 Aug;32(8):912-20. PMID: 21520337.

Fulgent Genetics
Classification: Pathogenic for Hereditary pancreatitis; Bronchiectasis with or without elevated sweat chloride 1; Cystic fibrosis; Congenital bilateral aplasia of vas deferens from CFTR mutation. Last evaluated: 2024-04-17. Review status: criteria provided, single submitter. Criteria: ACMG Guidelines, 2015. Collection method: clinical testing. Allele origin: germline. Not counted in ClinVar's aggregate classification.

Baylor Genetics
Classification: Pathogenic for Bronchiectasis with or without elevated sweat chloride 1. Last evaluated: 2024-03-28. Review status: criteria provided, single submitter. Criteria: ACMG Guidelines, 2015. Collection method: clinical testing. Allele origin: unknown. Not counted in ClinVar's aggregate classification.

Mayo Clinic Laboratories, Mayo Clinic
Classification: Pathogenic. Last evaluated: 2023-11-07. Review status: criteria provided, single submitter. Criteria: ACMG Guidelines, 2015. Collection method: clinical testing. Allele origin: germline. Observed: 7 variant alleles. Not counted in ClinVar's aggregate classification.

Quest Diagnostics Nichols Institute San Juan Capistrano
Classification: Pathogenic. Last evaluated: 2023-09-21. Review status: criteria provided, single submitter. Criteria: Quest Diagnostics criteria. Collection method: clinical testing. Allele origin: unknown. Not counted in ClinVar's aggregate classification.
Comment: The CFTR c.3140-26A>G (also known as 3272-26A>G) variant leads to the creation of an alternative splice acceptor site that competes with the normal splice site during RNA processing. The use of this alternative splice site results in the occurrence of an alternatively spliced mRNA with 25 extra nucleotides from intron 19 and a premature stop codon soon thereafter (PMID: 10425036 (1999)). In the published literature, this variant in compound heterozygous and homozygous state is associated with mild CF phenotype and pancreatic sufficiency (PMIDs: 34782259 (2021), 33855558 (2020), 22658665 (2012), 17481968 (2007), 11732487 (2001), 10425036 (1999), 7542347 (1995), 1379210 (1992)). The frequency of this variant in the general population, 0.00012 (4/34026 chromosomes (Genome Aggregation Database)), is uninformative in the assessment of its pathogenicity. Based on the available information, this variant is classified as pathogenic.

Blueprint Genetics
Classification: Pathogenic for CFTR-related disorders. Last evaluated: 2023-01-19. Review status: criteria provided, single submitter. Criteria: ACMG Guidelines, 2015. Collection method: clinical testing. Allele origin: germline. Affected: yes. Observed: 5 variant alleles. Not counted in ClinVar's aggregate classification.

Dasa
Classification: Pathogenic for Cystic fibrosis. Last evaluated: 2022-03-05. Review status: criteria provided, single submitter. Criteria: ACMG Guidelines, 2015. Collection method: clinical testing. Allele origin: germline. Affected: yes. Observed: 1 variant allele. Not counted in ClinVar's aggregate classification.
Comment: Well-established in vitro or in vivo functional studies supportive of a damaging effect on the gene or gene product (PMID: 10425036) - PS3_supporting. This sequence change has been observed in affected individual(s) and ClinVar contains an entry for this variant (ClinVar ID: 35864; PMID: 25910067; PMID: 25122143; PMID: 24243928; PMID: 23810505; PMID: 15365999; PMID: 28603918) - PS4. The variant is present at low allele frequencies population databases (rs76151804 – gnomAD 0.0004850%; ABraOM no frequency) - PM2_supporting. The c.3140-26A>G was detected in trans with a pathogenic variant (PMID: 23810505; PMID: 28603918; PMID: 10425036) - PM3. In summary, the currently available evidence indicates that the variant is pathogenic.

Johns Hopkins Genomics, Johns Hopkins University
Classification: Pathogenic for Cystic fibrosis. Last evaluated: 2020-02-20. Review status: criteria provided, single submitter. Criteria: ACMG Guidelines, 2015. Collection method: clinical testing. Allele origin: germline. Not counted in ClinVar's aggregate classification.
Comment: Disease-causing CFTR variant. See CFTR2 for phenotype information.

Myriad Genetics, Inc.
Classification: Pathogenic for Cystic fibrosis. Last evaluated: 2019-11-12. Review status: criteria provided, single submitter. Criteria: Myriad Women's Health Autosomal Recessive and X-Linked Classification Criteria (2019). Collection method: clinical testing. Allele origin: unknown. Not counted in ClinVar's aggregate classification.
Comment: NM_000492.3(CFTR):c.3140-26A>G(aka 3272-26A>G) is classified as pathogenic and is a non-classic variant in the context of cystic fibrosis. Sources cited for classification include the following: PMID: 10425036 and 23974870. Classification of NM_000492.3(CFTR):c.3140-26A>G(aka 3272-26A>G) is based on the following criteria: This is a well-established pathogenic variant in the literature that has been observed more frequently in patients with clinical diagnoses than in healthy populations. Please note: this variant was assessed in the context of healthy population screening.

Equipe Genetique des Anomalies du Developpement, Université de Bourgogne
Classification: Pathogenic for Cystic fibrosis. Last evaluated: 2018-11-21. Review status: criteria provided, single submitter. Criteria: ACMG Guidelines, 2015. Collection method: clinical testing. Allele origin: unknown. Not counted in ClinVar's aggregate classification.

Mendelics
Classification: Pathogenic for Cystic fibrosis. Last evaluated: 2018-11-05. Review status: criteria provided, single submitter. Criteria: Mendelics Assertion Criteria 2017. Collection method: clinical testing. Allele origin: unknown. Affected: yes. Not counted in ClinVar's aggregate classification.

CeGaT Center for Human Genetics Tuebingen
Classification: Pathogenic. Last evaluated: 2018-07-01. Review status: criteria provided, single submitter. Criteria: CeGaT Center For Human Genetics Tuebingen Variant Classification Criteria Version 2. Collection method: clinical testing. Allele origin: germline. Affected: yes. Observed: 1 variant allele. Not counted in ClinVar's aggregate classification.

CFTR-France
Classification: Pathogenic for cystic fibrosis; CFTR-related disorders. Last evaluated: 2018-01-29. Review status: criteria provided, single submitter. Criteria: Claustres M et al. (Hum Mutat 2017). Collection method: curation. Allele origin: germline. Affected: yes and no. Not counted in ClinVar's aggregate classification.
Comment: when the variant is in trans with another CF-causing variation, can either result in CF or in a CFTR-RD

Eurofins Ntd Llc (ga)
Classification: Pathogenic. Last evaluated: 2017-04-27. Review status: criteria provided, single submitter. Criteria: EGL Classification Definitions 2015. Collection method: clinical testing. Allele origin: germline. Observed: 1 variant allele, 1 heterozygote. Not counted in ClinVar's aggregate classification.

Baylor Genetics
Classification: Pathogenic for Congenital bilateral aplasia of vas deferens from CFTR mutation; Cystic fibrosis. Review status: criteria provided, single submitter. Criteria: ACMG Guidelines, 2015. Collection method: clinical testing. Allele origin: germline. Not counted in ClinVar's aggregate classification.

Clinical Genetics DNA and cytogenetics Diagnostics Lab, Erasmus MC, Erasmus Medical Center
Classification: Pathogenic. Review status: no assertion criteria provided. Collection method: clinical testing. Allele origin: germline. Affected: yes. Study: VKGL Data-share Consensus. Not counted in ClinVar's aggregate classification.